The following is an entry in ClinVar:

NM_020745.4(AARS2):c.2007+200C>T

Gene: AARS2 (alanyl-tRNA synthetase 2, mitochondrial; minus strand). Cytogenetic location: 6p21.1.
Variant type: single nucleotide variant.
Coding change: c.2007+200C>T on transcript NM_020745.4 (MANE Select); 200 bases into the intron after coding-DNA position 2007, C replaced by T.
Molecular consequence: intron variant.
Genome position (GRCh38, 1-based): chr6:44,303,981, G>A on the plus strand (C>T on the coding strand, the complement: AARS2 is on the minus strand). VCF-style: chr6-44303981-G-A. GRCh37 (hg19) VCF-style: chr6-44271718-G-A.
Identifiers: ClinVar variation 673072 (VCV000673072.1), dbSNP rs113580146, ClinGen allele CA138388459.

ClinVar aggregate classification (germline): Likely benign (1 of 4 stars; one submission).

Allele frequency attached by ClinVar (database versions not stated): gnomAD 0.01003 and 0.01078; 1000 Genomes Project 0.01078; TOPMed 0.01107; 1000 Genomes Project 30x 0.01156.
gnomAD v4.1: 1,512 of 152,260 alleles (0.99%); highest among the groups gnomAD compares: African/African-American, 3.5%; 21 homozygotes.

Submission:

GeneDx
Classification: Likely benign. Last evaluated: 2018-06-14. Review status: criteria provided, single submitter. Criteria: GeneDx Variant Classification (06012015). Collection method: clinical testing. Allele origin: germline. Affected: yes.
Comment: This variant is considered likely benign or benign based on one or more of the following criteria: it is a conservative change, it occurs at a poorly conserved position in the protein, it is predicted to be benign by multiple in silico algorithms, and/or has population frequency not consistent with disease.